The following is an entry in ClinVar:

ClinVar aggregate classification (germline): Pathogenic (1 of 4 stars; one submission).

Submission:

GeneDx
Classification: Pathogenic. Last evaluated: 2023-06-21. Review status: criteria provided, single submitter. Criteria: GeneDx Variant Classification Process June 2021. Collection method: clinical testing. Allele origin: germline. Affected: yes.
Comment: Frameshift variant predicted to result in protein truncation or nonsense mediated decay in a gene for which loss of function is a known mechanism of disease; Not observed at significant frequency in large population cohorts (gnomAD); Has not been previously published as pathogenic or benign to our knowledge

NM_001330701.2(AGTPBP1):c.1182del (p.Phe394fs)

Gene: AGTPBP1 (ATP/GTP binding carboxypeptidase 1; minus strand). Cytogenetic location: 9q21.33.
Variant type: Deletion.
Coding change: c.1182del on transcript NM_001330701.2 (MANE Select); coding-DNA position 1182, one base deleted (T; older notation c.1182delT).
Protein change: p.Phe394fs; shifts the reading frame from phenylalanine 394.
Molecular consequence: frameshift variant.
Genome position (GRCh38, 1-based): chr9:85,646,324, A deleted on the plus strand (T on the coding strand, the reverse complement: AGTPBP1 is on the minus strand); the first of 4 consecutive A bases (chr9:85,646,324-85,646,327); deleting any one gives the same sequence. VCF-style (leftmost placement, unchanged base first): chr9-85646323-TA-T. GRCh37 (hg19) VCF-style: chr9-88261238-TA-T.
Other names: c.1338del, p.Phe446fs (NM_001286715.1); c.1218del, p.Phe406fs (NM_001286717.1); c.1062del, p.Phe354fs (NM_015239.3); short protein forms F354fs, F394fs, F406fs, F446fs.
Identifiers: ClinVar variation 2506865 (VCV002506865.1), dbSNP rs1331302673, ClinGen allele CA588708164.